The following is an entry in ClinVar:

NM_001008938.4(CKAP5):c.3231A>G (p.Lys1077=)

Gene: CKAP5 (cytoskeleton associated protein 5; minus strand). Cytogenetic location: 11p11.2.
Variant type: single nucleotide variant.
Coding change: c.3231A>G on transcript NM_001008938.4 (MANE Select); coding-DNA position 3231, A replaced by G.
Protein change: p.Lys1077=; no amino-acid change (lysine 1077 retained).
Molecular consequence: synonymous variant.
Genome position (GRCh38, 1-based): chr11:46,770,054, T>C on the plus strand (A>G on the coding strand, the complement: CKAP5 is on the minus strand). VCF-style: chr11-46770054-T-C. GRCh37 (hg19) VCF-style: chr11-46791604-T-C.
Other names: NC_000011.9:g.46791604T>C; c.3231A>G, p.Lys1077= (NM_014756.4).
Identifiers: ClinVar variation 2641753 (VCV002641753.25), dbSNP rs146251898, ClinGen allele CA5968148.

ClinVar aggregate classification (germline): Likely benign (1 of 4 stars; one submission).

Allele frequency attached by ClinVar (database versions not stated): 1000 Genomes Project 30x 0.00016; 1000 Genomes Project 0.00020; TOPMed 0.00111; gnomAD 0.00118; ExAC 0.00127; gnomAD exomes 0.00128; ESP Exome Variant Server 0.00154.
gnomAD v4.1: 2,074 of 1,614,152 alleles (0.13%); highest among the groups gnomAD compares: Non-Finnish European, 0.14%; 2 homozygotes.

Submissions (8):

CeGaT Center for Human Genetics Tuebingen
Classification: Likely benign. Last evaluated: 2022-09-01. Review status: criteria provided, single submitter. Criteria: CeGaT Center For Human Genetics Tuebingen Variant Classification Criteria Version 2. Collection method: clinical testing. Allele origin: germline. Affected: yes. Observed: 1 variant allele.
Comment: CKAP5: BP4, BP7

Dr. Peter K. Rogan Lab, Western University
No classification provided (evidence only). Condition: Malignant tumor of urinary bladder. Review status: no classification provided. Collection method: in vitro. Allele origin: not applicable. Functional consequence: retained intron. Not counted in ClinVar's aggregate classification.

Dr. Peter K. Rogan Lab, Western University
No classification provided (evidence only). Condition: Melanoma. Review status: no classification provided. Collection method: in vitro. Allele origin: not applicable. Functional consequence: retained intron. Not counted in ClinVar's aggregate classification.

Dr. Peter K. Rogan Lab, Western University
No classification provided (evidence only). Condition: Acute myeloid leukemia. Review status: no classification provided. Collection method: in vitro. Allele origin: not applicable. Functional consequence: skipped exon. Not counted in ClinVar's aggregate classification.

Dr. Peter K. Rogan Lab, Western University
No classification provided (evidence only). Condition: Hepatocellular carcinoma. Review status: no classification provided. Collection method: in vitro. Allele origin: not applicable. Functional consequence: skipped exon, retained intron. Not counted in ClinVar's aggregate classification.

Dr. Peter K. Rogan Lab, Western University
No classification provided (evidence only). Condition: Nonpapillary renal cell carcinoma. Review status: no classification provided. Collection method: in vitro. Allele origin: not applicable. Functional consequence: retained intron. Not counted in ClinVar's aggregate classification.

Dr. Peter K. Rogan Lab, Western University
No classification provided (evidence only). Condition: Ovarian serous cystadenocarcinoma. Review status: no classification provided. Collection method: in vitro. Allele origin: not applicable. Functional consequence: retained intron. Not counted in ClinVar's aggregate classification.

Dr. Peter K. Rogan Lab, Western University
No classification provided (evidence only). Condition: Ovarian serous cystadenocarcinoma. Review status: no classification provided. Collection method: in vitro. Allele origin: not applicable. Functional consequence: retained intron. Not counted in ClinVar's aggregate classification.